The following is an entry in ClinVar:

ClinVar aggregate classification (germline): Likely pathogenic (1 of 4 stars; one submission).

Conditions:
Phenylketonuria (PKU). Also called: Phenylketonurias; FOLLING DISEASE; OLIGOPHRENIA PHENYLPYRUVICA; Phenylketonuria (PKU). Identifiers: Orphanet 716, MedGen C0031485, MONDO:0009861, OMIM 261600. Disease mechanism: loss of function.

Allele frequency attached by ClinVar (database versions not stated): TOPMed below 0.00001; gnomAD 0.00001.

Submission:

Natera, Inc.
Classification: Likely pathogenic for Phenylketonuria. Last evaluated: 2025-10-10. Review status: criteria provided, single submitter. Criteria: Natera Variant Classification Schema (03/2026). Collection method: clinical testing. Allele origin: germline.
Comment: The c.693delT variant in PAH is a frameshift variant predicted to shift the reading frame beginning at codon 232 and leads to a stop codon 109 codons downstream. This variant is expected to result in nonsense mediated decay, truncation, or a dysfunctional protein product. This variant is rare in the general population with a frequency below the threshold expected for the associated phenotype(s). Given the available evidence, this variant is classified as Likely Pathogenic.

NM_000277.3(PAH):c.693del (p.Gln232fs)

Gene: PAH (phenylalanine hydroxylase; minus strand). Cytogenetic location: 12q23.2.
Variant type: Deletion.
Coding change: c.693del on transcript NM_000277.3 (MANE Select); coding-DNA position 693, one base deleted (T; older notation c.693delT).
Protein change: p.Gln232fs; shifts the reading frame from glutamine 232.
Molecular consequence: frameshift variant.
Genome position (GRCh38, 1-based): chr12:102,855,149, A deleted on the plus strand (T on the coding strand, the reverse complement: PAH is on the minus strand). VCF-style (leftmost placement, unchanged base first): chr12-102855148-GA-G. GRCh37 (hg19) VCF-style: chr12-103248926-GA-G.
Other names: c.693del, p.Gln232fs (NM_001354304.2); c.693delT (NM_000277.2); short protein forms Q232fs.
Identifiers: ClinVar variation 2677433 (VCV002677433.3), dbSNP rs1875353511, ClinGen allele CA951236094.